The following is an entry in ClinVar:

ClinVar aggregate classification (germline): Uncertain significance (1 of 4 stars; one submission).

Conditions:
LEPR-related disorder. Also called: LEPR-related condition; LEPR-related disorders.

gnomAD v4.1: 1 of 1,614,114 alleles (0.000062%); highest among the groups gnomAD compares: Non-Finnish European, 0.000085%; no homozygotes.

Submission:

PreventionGenetics, part of Exact Sciences
Classification: Uncertain significance for LEPR-related condition. Last evaluated: 2026-03-16. Review status: criteria provided, single submitter. Criteria: ACMG Guidelines, 2015. Collection method: clinical testing. Allele origin: germline.
Comment: The LEPR c.1462T>C variant is predicted to result in the amino acid substitution p.Cys488Arg. In vitro functional studies showed moderate evidence of loss of function (Supplemental Data Set, Shah et al. 2023. PubMed ID: 36864747). This variant has not been reported in a large population database (gnomAD), indicating this variant is rare. Although we suspect that this variant may be pathogenic, at this time, the clinical significance of this variant is uncertain due to the absence of conclusive functional and genetic evidence.

NM_002303.6(LEPR):c.1462T>C (p.Cys488Arg)

Gene: LEPR (leptin receptor; plus strand). Cytogenetic location: 1p31.3.
Variant type: single nucleotide variant.
Coding change: c.1462T>C on transcript NM_002303.6 (MANE Select); coding-DNA position 1462, T replaced by C.
Protein change: p.Cys488Arg; replaces cysteine 488 with arginine.
Molecular consequence: missense variant.
Genome position (GRCh38, 1-based): chr1:65,605,096, T>C. VCF-style: chr1-65605096-T-C. GRCh37 (hg19) VCF-style: chr1-66070779-T-C.
Other names: c.1462T>C, p.Cys488Arg (NM_001003679.3, NM_001003680.3, NM_001198687.2 and 2 more transcripts); short protein forms C488R.
Identifiers: ClinVar variation 4995475 (VCV004995475.1).